The following is an entry in ClinVar:

NM_003680.4(YARS1):c.290A>G (p.Tyr97Cys)

Gene: YARS1 (tyrosyl-tRNA synthetase 1; minus strand). Cytogenetic location: 1p35.1.
Variant type: single nucleotide variant.
Coding change: c.290A>G on transcript NM_003680.4 (MANE Select); coding-DNA position 290, A replaced by G.
Protein change: p.Tyr97Cys; replaces tyrosine 97 with cysteine.
Molecular consequence: missense variant.
Genome position (GRCh38, 1-based): chr1:32,810,681, T>C on the plus strand (A>G on the coding strand, the complement: YARS1 is on the minus strand). VCF-style: chr1-32810681-T-C. GRCh37 (hg19) VCF-style: chr1-33276282-T-C.
Other names: short protein forms Y97C.
Identifiers: ClinVar variation 1700188 (VCV001700188.6), dbSNP rs1360212575, ClinGen allele CA339687196.
Genomic context (GRCh38, chr1:32,810,681, plus strand): 5'-AACTTGAGCTTCTCCAAGGGCACACCAATGCTCTCCAGCATTGCTTTGATCACATTCTCA[T>C]AGTAACTGACTCGGAGTTCTAGAAGTTCCCATGGGGCTTTCATGTTATCCAGGTATGCGT-3'
Protein context (NP_003671.1, residues 87-107): WELLELRVSY[Tyr97Cys]ENVIKAMLES

ClinVar aggregate classification (germline): Conflicting classifications of pathogenicity. Review status: criteria provided, conflicting classifications (1 of 4 stars). 2 submissions from 2 submitters: Likely pathogenic (1); Uncertain significance (1). Last evaluated 2023-06-03.

Conditions:
Neurodevelopmental delay. Identifiers: MedGen C4022738, HP:0012758.
Charcot-Marie-Tooth disease dominant intermediate C (CMTDIC). Also called: CHARCOT-MARIE-TOOTH NEUROPATHY, DOMINANT INTERMEDIATE C. Identifiers: Orphanet 100045, MedGen C1842237, MONDO:0012012, OMIM 608323.

Allele frequency attached by ClinVar (database versions not stated): gnomAD exomes below 0.00001; TOPMed below 0.00001.
gnomAD v4.1: 6 of 1,614,144 alleles (0.00037%); highest among the groups gnomAD compares: Admixed American, 0.0017%; no homozygotes.

Submissions (2):

Labcorp Genetics (formerly Invitae), Labcorp
Classification: Uncertain significance for Charcot-Marie-Tooth disease dominant intermediate C. Last evaluated: 2023-06-03. Review status: criteria provided, single submitter. Criteria: Invitae Variant Classification Sherloc (09022015). Collection method: clinical testing. Allele origin: germline.
Comment: In summary, the available evidence is currently insufficient to determine the role of this variant in disease. Therefore, it has been classified as a Variant of Uncertain Significance. Advanced modeling of protein sequence and biophysical properties (such as structural, functional, and spatial information, amino acid conservation, physicochemical variation, residue mobility, and thermodynamic stability) performed at Invitae indicates that this missense variant is expected to disrupt YARS protein function. This variant has not been reported in the literature in individuals affected with YARS-related conditions. This variant is present in population databases (no rsID available, gnomAD 0.003%). This sequence change replaces tyrosine, which is neutral and polar, with cysteine, which is neutral and slightly polar, at codon 97 of the YARS protein (p.Tyr97Cys). ClinVar contains an entry for this variant (Variation ID: 1700188).

Centre de Biologie Pathologie Génétique, Centre Hospitalier Universitaire de Lille
Classification: Likely pathogenic for Neurodevelopmental delay. Review status: criteria provided, single submitter. Criteria: ACMG Guidelines, 2015. Collection method: clinical testing. Allele origin: inherited. Affected: yes.